The following is an entry in ClinVar:

NM_032217.5(ANKRD17):c.6952A>G (p.Ser2318Gly)

Gene: ANKRD17 (ankyrin repeat domain 17; minus strand). Cytogenetic location: 4q13.3.
Variant type: single nucleotide variant.
Coding change: c.6952A>G on transcript NM_032217.5 (MANE Select); coding-DNA position 6952, A replaced by G.
Protein change: p.Ser2318Gly; replaces serine 2318 with glycine.
Molecular consequence: missense variant.
Genome position (GRCh38, 1-based): chr4:73,090,676, T>C on the plus strand (A>G on the coding strand, the complement: ANKRD17 is on the minus strand). VCF-style: chr4-73090676-T-C. GRCh37 (hg19) VCF-style: chr4-73956393-T-C.
Other names: c.6613A>G, p.Ser2205Gly (NM_001286771.3); c.6949A>G, p.Ser2317Gly (NM_015574.2); c.6199A>G, p.Ser2067Gly (NM_198889.3); short protein forms S2067G, S2205G, S2317G, S2318G.
Identifiers: ClinVar variation 3366831 (VCV003366831.1).

ClinVar aggregate classification (germline): Uncertain significance (1 of 4 stars; one submission).

gnomAD v4.1: 3 of 1,614,064 alleles (0.00019%); highest among the groups gnomAD compares: African/African-American, 0.0027%; no homozygotes.

Submission:

Women's Health and Genetics/Laboratory Corporation of America, LabCorp
Classification: Uncertain significance. Last evaluated: 2024-08-30. Review status: criteria provided, single submitter. Criteria: LabCorp Variant Classification Summary - May 2015. Collection method: clinical testing. Allele origin: germline.
Comment: Variant summary: ANKRD17 c.6952A>G (p.Ser2318Gly) results in a non-conservative amino acid change in the encoded protein sequence. Four of five in-silico tools predict a benign effect of the variant on protein function. The variant allele was found at a frequency of 4e-06 in 250544 control chromosomes. The available data on variant occurrences in the general population are insufficient to allow any conclusion about variant significance. To our knowledge, no occurrence of c.6952A>G in individuals affected with Chopra-Amiel Syndrome and no experimental evidence demonstrating its impact on protein function have been reported. No submitters have cited clinical-significance assessments for this variant to ClinVar. Based on the evidence outlined above, the variant was classified as uncertain significance.